The following is an entry in ClinVar:

NM_058216.3(RAD51C):c.266A>G (p.Glu89Gly)

Gene: RAD51C (RAD51 paralog C; plus strand). Cytogenetic location: 17q22.
Variant type: single nucleotide variant.
Coding change: c.266A>G on transcript NM_058216.3 (MANE Select); coding-DNA position 266, A replaced by G.
Protein change: p.Glu89Gly; replaces glutamic acid 89 with glycine.
Molecular consequence: missense variant. On other transcripts: non-coding transcript variant (2).
Genome position (GRCh38, 1-based): chr17:58,695,051, A>G. VCF-style: chr17-58695051-A-G. GRCh37 (hg19) VCF-style: chr17-56772412-A-G.
Other names: c.266A>G (NM_058216.1); c.266A>G, p.Glu89Gly (NM_002876.4); short protein forms E89G.
Identifiers: ClinVar variation 1037745 (VCV001037745.10), dbSNP rs2047949402, ClinGen allele CA400340601.
Genomic context (GRCh38, chr17:58,695,051, plus strand): 5'-TCACAAATAAACCAAGATATGCTGGTACATCTGAGTCACACAAGAAGTGTACAGCACTGG[A>G]ACTTCTTGAGCAGGAGCATACCCAGGGCTTCATAATCACCTTCTGTTCAGCACTAGATGA-3'
Protein context (NP_478123.1, residues 79-99): SESHKKCTAL[Glu89Gly]LLEQEHTQGF

ClinVar aggregate classification (germline): Uncertain significance. Review status: criteria provided, multiple submitters, no conflicts (2 of 4 stars). 2 submissions from 2 submitters: Uncertain significance (2). Last evaluated 2026-01-26.

Conditions:
Fanconi anemia complementation group O. Also called: RAD51C-Related Fanconi Anemia. Identifiers: Orphanet 84, MedGen C3150653, MONDO:0013248, OMIM 613390.
Hereditary cancer-predisposing syndrome. Also called: Neoplastic Syndromes, Hereditary; Hereditary Cancer Syndrome; Tumor predisposition; Hereditary neoplastic syndrome. Identifiers: Orphanet 140162, MedGen C0027672, MeSH D009386, MONDO:0015356.

Submissions (2):

Labcorp Genetics (formerly Invitae), Labcorp
Classification: Uncertain significance for Fanconi anemia complementation group O. Last evaluated: 2026-01-26. Review status: criteria provided, single submitter. Criteria: Invitae Variant Classification Sherloc (09022015). Collection method: clinical testing. Allele origin: germline.
Comment: This sequence change replaces glutamic acid, which is acidic and polar, with glycine, which is neutral and non-polar, at codon 89 of the RAD51C protein (p.Glu89Gly). This variant is not present in population databases (gnomAD no frequency). This variant has not been reported in the literature in individuals affected with RAD51C-related conditions. ClinVar contains an entry for this variant (Variation ID: 1037745). Invitae Evidence Modeling of protein sequence and biophysical properties (such as structural, functional, and spatial information, amino acid conservation, physicochemical variation, residue mobility, and thermodynamic stability) has been performed for this missense variant. However, the output from this modeling did not meet the statistical confidence thresholds required to predict the impact of this variant on RAD51C protein function. In summary, the available evidence is currently insufficient to determine the role of this variant in disease. Therefore, it has been classified as a Variant of Uncertain Significance.

Ambry Genetics
Classification: Uncertain significance for Hereditary cancer-predisposing syndrome. Last evaluated: 2023-09-01. Review status: criteria provided, single submitter. Criteria: Ambry Variant Classification Scheme 2023. Collection method: clinical testing. Allele origin: germline.
Comment: The p.E89G variant (also known as c.266A>G), located in coding exon 2 of the RAD51C gene, results from an A to G substitution at nucleotide position 266. The glutamic acid at codon 89 is replaced by glycine, an amino acid with similar properties. This amino acid position is conserved. In addition, this alteration is predicted to be tolerated by in silico analysis. Since supporting evidence is limited at this time, the clinical significance of this alteration remains unclear.